The following is an entry in ClinVar:

ClinVar aggregate classification (germline): Uncertain significance. Review status: criteria provided, single submitter (1 of 4 stars). 2 submissions from 2 submitters: Uncertain significance (1). 1 of the submissions does not count toward it. Last evaluated 2022-06-09.

Conditions:
Charcot-Marie-Tooth disease type 2E (CMT2E). Also called: CHARCOT-MARIE-TOOTH DISEASE, AXONAL, TYPE 2E; CHARCOT-MARIE-TOOTH NEUROPATHY, TYPE 2E. Identifiers: Orphanet 99939, MedGen C1843225, MONDO:0011894, OMIM 607684.

Submissions (2):

Labcorp Genetics (formerly Invitae), Labcorp
Classification: Uncertain significance for Charcot-Marie-Tooth disease type 2E. Last evaluated: 2022-06-09. Review status: criteria provided, single submitter. Criteria: Invitae Variant Classification Sherloc (09022015). Collection method: clinical testing. Allele origin: germline.
Comment: In summary, the available evidence is currently insufficient to determine the role of this variant in disease. Therefore, it has been classified as a Variant of Uncertain Significance. Experimental studies and prediction algorithms are not available or were not evaluated, and the functional significance of this variant is currently unknown. ClinVar contains an entry for this variant (Variation ID: 66701). This variant is also known as Leu334Pro. This missense change has been observed in individuals with autosomal dominant Charcot-Marie-Tooth disease (PMID: 15241803; Invitae). This variant is not present in population databases (gnomAD no frequency). This sequence change replaces leucine, which is neutral and non-polar, with proline, which is neutral and non-polar, at codon 333 of the NEFL protein (p.Leu333Pro).

Epithelial Biology;  Institute of Medical Biology, Singapore
No classification provided. Review status: no classification provided. Collection method: not provided. Allele origin: not provided. Not counted in ClinVar's aggregate classification.

Literature cited by the submitters: PubMed 15241803 (cited by Labcorp Genetics (formerly Invitae), Labcorp).

NM_006158.5(NEFL):c.998T>C (p.Leu333Pro)

Gene: NEFL (neurofilament light chain; minus strand). Cytogenetic location: 8p21.2.
Variant type: single nucleotide variant.
Coding change: c.998T>C on transcript NM_006158.5 (MANE Select); coding-DNA position 998, T replaced by C.
Protein change: p.Leu333Pro; replaces leucine 333 with proline.
Molecular consequence: missense variant.
Genome position (GRCh38, 1-based): chr8:24,955,518, A>G on the plus strand (T>C on the coding strand, the complement: NEFL is on the minus strand). VCF-style: chr8-24955518-A-G. GRCh37 (hg19) VCF-style: chr8-24813032-A-G.
Other names: short protein forms L333P.
Identifiers: ClinVar variation 66701 (VCV000066701.5), dbSNP rs60930717, ClinGen allele CA217590.